The following is an entry in ClinVar:

NM_000069.3(CACNA1S):c.3319T>C (p.Tyr1107His)

Gene: CACNA1S (calcium voltage-gated channel subunit alpha1 S; minus strand). Cytogenetic location: 1q32.1.
Variant type: single nucleotide variant.
Coding change: c.3319T>C on transcript NM_000069.3 (MANE Select); coding-DNA position 3319, T replaced by C.
Protein change: p.Tyr1107His; replaces tyrosine 1107 with histidine.
Molecular consequence: missense variant.
Genome position (GRCh38, 1-based): chr1:201,060,753, A>G on the plus strand (T>C on the coding strand, the complement: CACNA1S is on the minus strand). VCF-style: chr1-201060753-A-G. GRCh37 (hg19) VCF-style: chr1-201029881-A-G.
Other names: c.3319T>C (NM_000069.2); short protein forms Y1107H.
Identifiers: ClinVar variation 3386329 (VCV003386329.2).

ClinVar aggregate classification (germline): Uncertain significance. Review status: criteria provided, multiple submitters, no conflicts (2 of 4 stars). 2 submissions from 2 submitters: Uncertain significance (2). Last evaluated 2026-07-02.

Conditions:
Malignant hyperthermia, susceptibility to, 5 (MHS5). Also called: CACNA1S-Related Malignant Hyperthermia Susceptibility. Identifiers: Orphanet 423, MedGen C1866077, MONDO:0011163, OMIM 601887.
Inborn genetic diseases. Identifiers: MedGen C0950123, MeSH D030342.

gnomAD v4.1: 3 of 1,614,096 alleles (0.00019%); highest among the groups gnomAD compares: East Asian, 0.0067%; no homozygotes.

Submissions (2):

Ambry Genetics
Classification: Uncertain significance for Inborn genetic diseases. Last evaluated: 2026-07-02. Review status: criteria provided, single submitter. Criteria: Ambry Variant Classification Scheme 2023. Collection method: clinical testing. Allele origin: germline.
Comment: The p.Y1107H variant (also known as c.3319T>C), located in coding exon 26 of the CACNA1S gene, results from a T to C substitution at nucleotide position 3319. The tyrosine at codon 1107 is replaced by histidine, an amino acid with similar properties. This amino acid position is conserved. In addition, the in silico prediction for this alteration is inconclusive. Based on the available evidence, the clinical significance of this variant remains unclear.

All of Us Research Program, National Institutes of Health
Classification: Uncertain significance for Malignant hyperthermia, susceptibility to, 5. Last evaluated: 2024-04-25. Review status: criteria provided, single submitter. Criteria: ACMG Guidelines, 2015. Collection method: clinical testing. Allele origin: germline. Inheritance: Autosomal dominant inheritance. Observed: 1 variant allele, 1 heterozygote.
Comment: This missense variant replaces tyrosine with histidine at codon 1107 of the CACNA1S protein. Computational prediction suggests that this variant may not impact protein structure and function (internally defined REVEL score threshold <= 0.5, PMID: 27666373). To our knowledge, functional studies have not been reported for this variant. This variant has not been reported in individuals affected with CACNA1S-related disorders in the literature. This variant has not been identified in the general population by the Genome Aggregation Database (gnomAD). The available evidence is insufficient to determine the role of this variant in disease conclusively. Therefore, this variant is classified as a Variant of Uncertain Significance.

This study involves interpretation of variants in research participants for the purpose of population health screening. Participant phenotype was not available at the time of variant classification. Additional details can be found in publication PMID: 35346344, PMCID: PMC8962531